The following is an entry in ClinVar:

NM_000428.3(LTBP2):c.5075C>T (p.Pro1692Leu)

Gene: LTBP2 (latent transforming growth factor beta binding protein 2; minus strand). Cytogenetic location: 14q24.3.
Variant type: single nucleotide variant.
Coding change: c.5075C>T on transcript NM_000428.3 (MANE Select); coding-DNA position 5075, C replaced by T.
Protein change: p.Pro1692Leu; replaces proline 1692 with leucine.
Molecular consequence: missense variant.
Genome position (GRCh38, 1-based): chr14:74,502,748, G>A on the plus strand (C>T on the coding strand, the complement: LTBP2 is on the minus strand). VCF-style: chr14-74502748-G-A. GRCh37 (hg19) VCF-style: chr14-74969451-G-A.
Other names: short protein forms P1692L.
Identifiers: ClinVar variation 1378309 (VCV001378309.4), dbSNP rs776317067, ClinGen allele CA7268539.

ClinVar aggregate classification (germline): Uncertain significance (1 of 4 stars; one submission).

Allele frequency attached by ClinVar (database versions not stated): ExAC 0.00001; gnomAD exomes 0.00001.
gnomAD v4.1: 13 of 1,614,224 alleles (0.00081%); highest among the groups gnomAD compares: Non-Finnish European, 0.0011%; no homozygotes.

Submission:

Labcorp Genetics (formerly Invitae), Labcorp
Classification: Uncertain significance. Last evaluated: 2025-06-17. Review status: criteria provided, single submitter. Criteria: Invitae Variant Classification Sherloc (09022015). Collection method: clinical testing. Allele origin: germline.
Comment: This sequence change replaces proline, which is neutral and non-polar, with leucine, which is neutral and non-polar, at codon 1692 of the LTBP2 protein (p.Pro1692Leu). This variant is present in population databases (rs776317067, gnomAD 0.002%). This variant has not been reported in the literature in individuals affected with LTBP2-related conditions. ClinVar contains an entry for this variant (Variation ID: 1378309). An algorithm developed to predict the effect of missense changes on protein structure and function outputs the following: PolyPhen-2: "Benign". The leucine amino acid residue is found in multiple mammalian species, which suggests that this missense change does not adversely affect protein function. In summary, the available evidence is currently insufficient to determine the role of this variant in disease. Therefore, it has been classified as a Variant of Uncertain Significance.